The following is an entry in ClinVar:

NM_025137.4(SPG11):c.6755-1G>A

Gene: SPG11 (SPG11 vesicle trafficking associated, spatacsin; minus strand). Cytogenetic location: 15q21.1.
Variant type: single nucleotide variant.
Coding change: c.6755-1G>A on transcript NM_025137.4 (MANE Select); the canonical splice acceptor site of the intron before coding-DNA position 6755, G replaced by A.
Molecular consequence: splice acceptor variant.
Genome position (GRCh38, 1-based): chr15:44,566,306, C>T on the plus strand (G>A on the coding strand, the complement: SPG11 is on the minus strand). VCF-style: chr15-44566306-C-T. GRCh37 (hg19) VCF-style: chr15-44858504-C-T.
Other names: c.6611-1G>A (NM_001411132.1); c.6416-1G>A (NM_001160227.2).
Identifiers: ClinVar variation 1804835 (VCV001804835.3), dbSNP rs2505177370, ClinGen allele CA392213976.

ClinVar aggregate classification (germline): Likely pathogenic. Review status: criteria provided, multiple submitters, no conflicts (2 of 4 stars). 2 submissions from 2 submitters: Likely pathogenic (2). Last evaluated 2024-07-06.

Conditions:
Hereditary spastic paraplegia. Also called: Familial spastic paraparesis. Identifiers: Orphanet 685, MedGen C0037773, MONDO:0019064. Disease mechanism: loss of function.
Hereditary spastic paraplegia 11. Also called: Spastic paraplegia, mental retardation and thin corpus callosum; SPASTIC PARAPLEGIA, AUTOSOMAL RECESSIVE, COMPLICATED, WITH THIN CORPUS CALLOSUM; SPASTIC PARAPLEGIA, AUTOSOMAL RECESSIVE, WITH MENTAL IMPAIRMENT AND THIN CORPUS CALLOSUM; Spastic Paraplegia 11; Nakamura Osame syndrome; Autosomal recessive hereditary spastic paraplegia, mental impairment, and thin corpus callosum. Identifiers: Orphanet 2822, MedGen C1858479, MONDO:0011445, OMIM 604360.

Submissions (2):

Labcorp Genetics (formerly Invitae), Labcorp
Classification: Likely pathogenic for Hereditary spastic paraplegia 11. Last evaluated: 2024-07-06. Review status: criteria provided, single submitter. Criteria: Invitae Variant Classification Sherloc (09022015). Collection method: clinical testing. Allele origin: germline.
Comment: This sequence change affects an acceptor splice site in intron 36 of the SPG11 gene. It is expected to disrupt RNA splicing. Variants that disrupt the donor or acceptor splice site typically lead to a loss of protein function (PMID: 16199547), and loss-of-function variants in SPG11 are known to be pathogenic (PMID: 19105190, 20110243, 22154821, 26556829). This variant is not present in population databases (gnomAD no frequency). This variant has not been reported in the literature in individuals affected with SPG11-related conditions. ClinVar contains an entry for this variant (Variation ID: 1804835). Algorithms developed to predict the effect of sequence changes on RNA splicing suggest that this variant may disrupt the consensus splice site. In summary, the currently available evidence indicates that the variant is pathogenic, but additional data are needed to prove that conclusively. Therefore, this variant has been classified as Likely Pathogenic.

Women's Health and Genetics/Laboratory Corporation of America, LabCorp
Classification: Likely pathogenic for Hereditary spastic paraplegia. Last evaluated: 2022-11-07. Review status: criteria provided, single submitter. Criteria: LabCorp Variant Classification Summary - May 2015. Collection method: clinical testing. Allele origin: germline.
Comment: Variant summary: SPG11 c.6755-1G>A is located in a canonical splice-site and is predicted to affect mRNA splicing resulting in a significantly altered protein due to either exon skipping, shortening, or inclusion of intronic material. Several computational tools predict a significant impact on normal splicing: Four predict the variant abolishes a canonical 3' acceptor site and that it creates/strengthens an alternative 3' acceptor site downstream. However, these predictions have yet to be confirmed by functional studies. The variant was absent in 251140 control chromosomes (gnomAD). To our knowledge, no occurrence of c.6755-1G>A in individuals affected with Hereditary Spastic Paraplegia and no experimental evidence demonstrating its impact on protein function have been reported. No clinical diagnostic laboratories have submitted clinical-significance assessments for this variant to ClinVar after 2014. Based on the evidence outlined above, the variant was classified as likely pathogenic.

Literature cited by the submitters: PubMed 16199547 (cited by Labcorp Genetics (formerly Invitae), Labcorp); PubMed 19105190 (cited by Labcorp Genetics (formerly Invitae), Labcorp); PubMed 20110243 (cited by Labcorp Genetics (formerly Invitae), Labcorp); PubMed 22154821 (cited by Labcorp Genetics (formerly Invitae), Labcorp); PubMed 26556829 (cited by Labcorp Genetics (formerly Invitae), Labcorp).